The following is an entry in ClinVar:

ClinVar aggregate classification (germline): Uncertain significance. Review status: criteria provided, multiple submitters, no conflicts (2 of 4 stars). 2 submissions from 2 submitters: Uncertain significance (2). Last evaluated 2024-12-24.

Conditions:
Inborn genetic diseases. Identifiers: MedGen C0950123, MeSH D030342.
Familial cold autoinflammatory syndrome 2 (FCAS2). Identifiers: Orphanet 247868, MedGen C2673198, MONDO:0012724, OMIM 611762.

Allele frequency attached by ClinVar (database versions not stated): gnomAD exomes below 0.00001; gnomAD 0.00001; ExAC 0.00002; TOPMed 0.00002.
gnomAD v4.1: 4 of 1,613,936 alleles (0.00025%); highest among the groups gnomAD compares: Middle Eastern, 0.016%; no homozygotes.

Submissions (2):

Labcorp Genetics (formerly Invitae), Labcorp
Classification: Uncertain significance for Familial cold autoinflammatory syndrome 2. Last evaluated: 2024-12-24. Review status: criteria provided, single submitter. Criteria: Invitae Variant Classification Sherloc (09022015). Collection method: clinical testing. Allele origin: germline.
Comment: This sequence change replaces alanine, which is neutral and non-polar, with threonine, which is neutral and polar, at codon 277 of the NLRP12 protein (p.Ala277Thr). This variant is present in population databases (rs773166510, gnomAD 0.006%). This variant has not been reported in the literature in individuals affected with NLRP12-related conditions. ClinVar contains an entry for this variant (Variation ID: 2479552). Invitae Evidence Modeling of protein sequence and biophysical properties (such as structural, functional, and spatial information, amino acid conservation, physicochemical variation, residue mobility, and thermodynamic stability) indicates that this missense variant is not expected to disrupt NLRP12 protein function with a negative predictive value of 80%. In summary, the available evidence is currently insufficient to determine the role of this variant in disease. Therefore, it has been classified as a Variant of Uncertain Significance.

Ambry Genetics
Classification: Uncertain significance for Inborn genetic diseases. Last evaluated: 2023-01-26. Review status: criteria provided, single submitter. Criteria: Ambry Variant Classification Scheme 2023. Collection method: clinical testing. Allele origin: germline.

NM_144687.4(NLRP12):c.829G>A (p.Ala277Thr)

Gene: NLRP12 (NLR family pyrin domain containing 12; minus strand). Cytogenetic location: 19q13.42.
Variant type: single nucleotide variant.
Coding change: c.829G>A on transcript NM_144687.4 (MANE Select); coding-DNA position 829, G replaced by A.
Protein change: p.Ala277Thr; replaces alanine 277 with threonine.
Molecular consequence: missense variant.
Genome position (GRCh38, 1-based): chr19:53,810,830, C>T on the plus strand (G>A on the coding strand, the complement: NLRP12 is on the minus strand). VCF-style: chr19-53810830-C-T. GRCh37 (hg19) VCF-style: chr19-54314084-C-T.
Other names: c.829G>A, p.Ala277Thr (NM_001277126.2, NM_001277129.1); short protein forms A277T.
Identifiers: ClinVar variation 2479552 (VCV002479552.5), dbSNP rs773166510, ClinGen allele CA9639601.